The following is an entry in ClinVar:

ClinVar aggregate classification (germline): Pathogenic (1 of 4 stars; one submission).

Submission:

Labcorp Genetics (formerly Invitae), Labcorp
Classification: Pathogenic. Last evaluated: 2024-01-29. Review status: criteria provided, single submitter. Criteria: Invitae Variant Classification Sherloc (09022015). Collection method: clinical testing. Allele origin: germline.
Comment: This sequence change creates a premature translational stop signal (p.Gly319*) in the TBX20 gene. It is expected to result in an absent or disrupted protein product. Loss-of-function variants in TBX20 are known to be pathogenic (PMID: 15901664, 25625280, 26118961, 27510170). This variant is not present in population databases (gnomAD no frequency). This variant has not been reported in the literature in individuals affected with TBX20-related conditions. ClinVar contains an entry for this variant (Variation ID: 2006880). For these reasons, this variant has been classified as Pathogenic.

Literature cited by the submitters: PubMed 15901664; PubMed 25625280; PubMed 26118961; PubMed 27510170.

NM_001077653.2(TBX20):c.955G>T (p.Gly319Ter)

Gene: TBX20 (T-box transcription factor 20; minus strand). Cytogenetic location: 7p14.2.
Variant type: single nucleotide variant.
Coding change: c.955G>T on transcript NM_001077653.2 (MANE Select); coding-DNA position 955, G replaced by T.
Protein change: p.Gly319Ter; replaces glycine 319 with a stop codon.
Molecular consequence: nonsense.
Genome position (GRCh38, 1-based): chr7:35,204,518, C>A on the plus strand (G>T on the coding strand, the complement: TBX20 is on the minus strand). VCF-style: chr7-35204518-C-A. GRCh37 (hg19) VCF-style: chr7-35244130-C-A.
Other names: short protein forms G319*.
Identifiers: ClinVar variation 2006880 (VCV002006880.4), dbSNP rs1307889134, ClinGen allele CA367263538.